The following is an entry in ClinVar:

ClinVar aggregate classification (germline): Uncertain significance (1 of 4 stars; one submission).

Conditions:
Alzheimer disease. Also called: Presenile and senile dementia; Alzheimer's disease. Identifiers: Orphanet 1020, MedGen C0002395, MeSH D000544, MONDO:0004975, HP:0002511.

gnomAD v4.1: 31 of 1,613,922 alleles (0.0019%); highest among the groups gnomAD compares: South Asian, 0.0044%; no homozygotes.

Submission:

Labcorp Genetics (formerly Invitae), Labcorp
Classification: Uncertain significance for Alzheimer disease. Last evaluated: 2025-09-08. Review status: criteria provided, single submitter. Criteria: Invitae Variant Classification Sherloc (09022015). Collection method: clinical testing. Allele origin: germline.
Comment: This sequence change replaces arginine, which is basic and polar, with cysteine, which is neutral and slightly polar, at codon 469 of the APP protein (p.Arg469Cys). This variant is present in population databases (rs200548072, gnomAD 0.006%). This variant has not been reported in the literature in individuals affected with APP-related conditions. ClinVar contains an entry for this variant (Variation ID: 3703520). Invitae Evidence Modeling of protein sequence and biophysical properties (such as structural, functional, and spatial information, amino acid conservation, physicochemical variation, residue mobility, and thermodynamic stability) indicates that this missense variant is not expected to disrupt APP protein function with a negative predictive value of 95%. In summary, the available evidence is currently insufficient to determine the role of this variant in disease. Therefore, it has been classified as a Variant of Uncertain Significance.

NM_000484.4(APP):c.1405C>T (p.Arg469Cys)

Gene: APP (amyloid beta precursor protein; minus strand). Cytogenetic location: 21q21.3.
Variant type: single nucleotide variant.
Coding change: c.1405C>T on transcript NM_000484.4 (MANE Select); coding-DNA position 1405, C replaced by T.
Protein change: p.Arg469Cys; replaces arginine 469 with cysteine.
Molecular consequence: missense variant.
Genome position (GRCh38, 1-based): chr21:25,975,123, G>A on the plus strand (C>T on the coding strand, the complement: APP is on the minus strand). VCF-style: chr21-25975123-G-A. GRCh37 (hg19) VCF-style: chr21-27347436-G-A.
Other names: c.1333C>T, p.Arg445Cys (NM_001136016.3); c.1012C>T, p.Arg338Cys (NM_001136129.3); c.1237C>T, p.Arg413Cys (NM_001136130.3, NM_001385253.1); c.1075C>T, p.Arg359Cys (NM_001136131.3); c.1405C>T, p.Arg469Cys (NM_001204301.2); c.1348C>T, p.Arg450Cys (NM_001204302.2, NM_201413.3); c.1180C>T, p.Arg394Cys (NM_001204303.2, NM_201414.3); short protein forms R338C, R359C, R450C, R394C, R413C, R469C, R445C.
Identifiers: ClinVar variation 3703520 (VCV003703520.2).